The following is an entry in ClinVar:

ClinVar aggregate classification (germline): Pathogenic (1 of 4 stars; one submission).

Submission:

Labcorp Genetics (formerly Invitae), Labcorp
Classification: Pathogenic. Last evaluated: 2022-09-21. Review status: criteria provided, single submitter. Criteria: Invitae Variant Classification Sherloc (09022015). Collection method: clinical testing. Allele origin: germline.
Comment: This variant has not been reported in the literature in individuals affected with COL2A1-related conditions. This sequence change replaces glycine, which is neutral and non-polar, with aspartic acid, which is acidic and polar, at codon 909 of the COL2A1 protein (p.Gly909Asp). This variant is not present in population databases (gnomAD no frequency). Advanced modeling of protein sequence and biophysical properties (such as structural, functional, and spatial information, amino acid conservation, physicochemical variation, residue mobility, and thermodynamic stability) performed at Invitae indicates that this missense variant is expected to disrupt COL2A1 protein function. This variant disrupts the triple helix domain of COL2A1. Glycine residues within the Gly-Xaa-Yaa repeats of the triple helix domain are required for the structure and stability of fibrillar collagens (PMID: 7695699, 8218237, 19344236). In COL2A1, variants affecting these glycine residues are significantly enriched in individuals with disease (PMID: 9016532, 17078022) compared to the general population (ExAC). This variant disrupts the p.Gly909 amino acid residue in COL2A1. Other variant(s) that disrupt this residue have been observed in individuals with COL2A1-related conditions (PMID: 7550321, 27059630; Invitae), which suggests that this may be a clinically significant amino acid residue. For these reasons, this variant has been classified as Pathogenic.

Literature cited by the submitters: PubMed 7695699; PubMed 8218237; PubMed 19344236; PubMed 9016532; PubMed 17078022; PubMed 7550321; PubMed 27059630.

NM_001844.5(COL2A1):c.2726G>A (p.Gly909Asp)

Gene: COL2A1 (collagen type II alpha 1 chain; minus strand). Cytogenetic location: 12q13.11.
Variant type: single nucleotide variant.
Coding change: c.2726G>A on transcript NM_001844.5 (MANE Select); coding-DNA position 2726, G replaced by A.
Protein change: p.Gly909Asp; replaces glycine 909 with aspartic acid.
Molecular consequence: missense variant.
Genome position (GRCh38, 1-based): chr12:47,979,518, C>T on the plus strand (G>A on the coding strand, the complement: COL2A1 is on the minus strand). VCF-style: chr12-47979518-C-T. GRCh37 (hg19) VCF-style: chr12-48373301-C-T.
Other names: c.2519G>A, p.Gly840Asp (NM_033150.3); short protein forms G840D, G909D.
Identifiers: ClinVar variation 2026581 (VCV002026581.4), dbSNP rs2136532206, ClinGen allele CA384543801.
Genomic context (GRCh38, chr12:47,979,518, plus strand): 5'-GGCCAGGCTATTCCATGCCTGCCTGTGCCTCTCATGCCAGGAGCATCACTTACATTGGAG[C>T]CTGGGGGTCCAACGCGGCCAGCAGCTCCAGGGAATCCAGTGGCTCCCTGTGTGGGGAGAG-3'
Protein context (NP_001835.3, residues 899-919): PGAAGRVGPP[Gly909Asp]SNGNPGPPGP